The following is an entry in ClinVar:

NM_007194.4(CHEK2):c.8G>A (p.Arg3Gln)

Gene: CHEK2 (checkpoint kinase 2; minus strand). Cytogenetic location: 22q12.1.
Variant type: single nucleotide variant.
Coding change: c.8G>A on transcript NM_007194.4 (MANE Select); coding-DNA position 8, G replaced by A.
Protein change: p.Arg3Gln; replaces arginine 3 with glutamine.
Molecular consequence: missense variant.
Genome position (GRCh38, 1-based): chr22:28,734,714, C>T on the plus strand (G>A on the coding strand, the complement: CHEK2 is on the minus strand). VCF-style: chr22-28734714-C-T. GRCh37 (hg19) VCF-style: chr22-29130702-C-T.
Other names: c.8G>A, p.Arg3Gln (NM_001005735.3, NM_001349956.3, NM_145862.3); c.-770G>A (NM_001257387.3); short protein forms R3Q.
Identifiers: ClinVar variation 418127 (VCV000418127.28), dbSNP rs779607427, ClinGen allele CA10168086.

ClinVar aggregate classification (germline): Uncertain significance. Review status: criteria provided, multiple submitters, no conflicts (2 of 4 stars). 6 submissions from 6 submitters: Uncertain significance (6). Last evaluated 2025-08-27.

Conditions:
Hereditary cancer-predisposing syndrome. Also called: Hereditary neoplastic syndrome; Tumor predisposition; Neoplastic Syndromes, Hereditary; Hereditary Cancer Syndrome. Identifiers: Orphanet 140162, MedGen C0027672, MeSH D009386, MONDO:0015356.
Familial cancer of breast. Also called: Hereditary breast cancer; BREAST CANCER, FAMILIAL; hereditary breast carcinoma. Identifiers: Orphanet 227535, MedGen C0346153, MONDO:0016419, OMIM 114480. Disease mechanism: loss of function.

Allele frequency attached by ClinVar (database versions not stated): gnomAD exomes 0.00001; ExAC 0.00002.
gnomAD v4.1: 7 of 1,612,972 alleles (0.00043%); highest among the groups gnomAD compares: East Asian, 0.0045%; no homozygotes.

Submissions (7):

Ambry Genetics
Classification: Uncertain significance for Hereditary cancer-predisposing syndrome. Last evaluated: 2025-08-27. Review status: criteria provided, single submitter. Criteria: Ambry Variant Classification Scheme 2023. Collection method: clinical testing. Allele origin: germline.
Comment: The p.R3Q variant (also known as c.8G>A), located in coding exon 1 of the CHEK2 gene, results from a G to A substitution at nucleotide position 8. The arginine at codon 3 is replaced by glutamine, an amino acid with highly similar properties. This variant was reported as functional in a study assessing CHEK2-complementation through quantification of KAP1 phosphorylation and CHK2 autophosphorylation in human RPE1-CHEK2-knockout cells (Stolarova L et al. Clin Cancer Res, 2023 Aug;29:3037-3050). This amino acid position is well conserved in available vertebrate species. In addition, the in silico prediction for this alteration is inconclusive. Based on the available evidence, the clinical significance of this variant remains unclear.

Labcorp Genetics (formerly Invitae), Labcorp
Classification: Uncertain significance for Familial cancer of breast. Last evaluated: 2025-04-14. Review status: criteria provided, single submitter. Criteria: Invitae Variant Classification Sherloc (09022015). Collection method: clinical testing. Allele origin: germline.
Comment: This sequence change replaces arginine, which is basic and polar, with glutamine, which is neutral and polar, at codon 3 of the CHEK2 protein (p.Arg3Gln). This variant is present in population databases (rs779607427, gnomAD 0.01%). This variant has not been reported in the literature in individuals affected with CHEK2-related conditions. ClinVar contains an entry for this variant (Variation ID: 418127). An algorithm developed to predict the effect of missense changes on protein structure and function outputs the following: PolyPhen-2: "Benign". The glutamine amino acid residue is found in multiple mammalian species, which suggests that this missense change does not adversely affect protein function. In summary, the available evidence is currently insufficient to determine the role of this variant in disease. Therefore, it has been classified as a Variant of Uncertain Significance.

Center for Genomic Medicine, Rigshospitalet, Copenhagen University Hospital
Classification: Uncertain significance. Last evaluated: 2025-03-04. Review status: criteria provided, single submitter. Criteria: ACMG Guidelines, 2015. Collection method: clinical testing. Allele origin: germline.

Color Diagnostics, LLC DBA Color Health
Classification: Uncertain significance for Hereditary cancer-predisposing syndrome. Last evaluated: 2024-04-16. Review status: criteria provided, single submitter. Criteria: ACMG Guidelines, 2015. Collection method: clinical testing. Allele origin: germline.
Comment: This missense variant replaces arginine with glutamine at codon 3 of the CHEK2 protein. Computational prediction suggests that this variant may not impact protein structure and function. In a human cell complementation assay, this variant did not impact KAP1 phosphorylation or CHEK2 autophosphorylation (PMID: 37449874). In two large breast cancer case-control meta-analyses, this variant has been reported in 2/60466 cases and 0/53461 unaffected controls (PMID: 33471991; Leiden Open Variation Database DB-ID CHEK2_000609), and 1/73048 cases and 0/88658 unaffected controls (PMID: 37449874). This variant has been identified in 3/244852 chromosomes in the general population by the Genome Aggregation Database (gnomAD). The available evidence is insufficient to determine the role of this variant in disease conclusively. Therefore, this variant is classified as a Variant of Uncertain Significance.

Institute for Clinical Genetics, University Hospital TU Dresden, University Hospital TU Dresden
Classification: Uncertain significance. Last evaluated: 2021-11-03. Review status: criteria provided, single submitter. Criteria: ACMG Guidelines, 2015. Collection method: clinical testing. Allele origin: germline.

GeneDx
Classification: Uncertain significance. Last evaluated: 2018-08-28. Review status: criteria provided, single submitter. Criteria: GeneDx Variant Classification (06012015). Collection method: clinical testing. Allele origin: germline. Affected: yes.
Comment: This variant is denoted CHEK2 c.8G>A at the cDNA level, p.Arg3Gln (R3Q) at the protein level, and results in the change of an Arginine to a Glutamine (CGG>CAG). This variant has not, to our knowledge, been published in the literature as a pathogenic or benign germline variant. CHEK2 Arg3Gln was not observed at a significant allele frequency in large population cohorts (Lek 2016). This variant is not located within a known functional domain. In silico analysis, which includes protein predictors and evolutionary conservation, supports that this variant does not alter protein structure/function. Based on currently available evidence, it is unclear whether CHEK2 Arg3Gln is a pathogenic or benign variant. We consider it to be a variant of uncertain significance.

Dr. Peter K. Rogan Lab, Western University
No classification provided (evidence only). Condition: Hepatocellular carcinoma. Review status: no classification provided. Collection method: in vitro. Allele origin: not applicable. Functional consequence: retained intron. Not counted in ClinVar's aggregate classification.

Literature cited by the submitters: PubMed 37449874 (cited by Ambry Genetics and Color Diagnostics, LLC DBA Color Health); PubMed 33471991 (cited by Color Diagnostics, LLC DBA Color Health).